The following is an entry in ClinVar:

NM_033004.4(NLRP1):c.2529-18G>T

Gene: NLRP1 (NLR family pyrin domain containing 1; minus strand). Cytogenetic location: 17p13.2.
Variant type: single nucleotide variant.
Coding change: c.2529-18G>T on transcript NM_033004.4 (MANE Select); 18 bases into the intron before coding-DNA position 2529, G replaced by T.
Molecular consequence: intron variant.
Genome position (GRCh38, 1-based): chr17:5,542,045, C>A on the plus strand (G>T on the coding strand, the complement: NLRP1 is on the minus strand). VCF-style: chr17-5542045-C-A. GRCh37 (hg19) VCF-style: chr17-5445365-C-A.
Other names: c.2529-18G>T (NM_001033053.3, NM_033007.4, NM_033006.4 and 1 more transcripts).
Identifiers: ClinVar variation 103016 (VCV000103016.7), dbSNP rs199476210, ClinGen allele CA018446.

ClinVar aggregate classification (germline): Likely benign. Review status: criteria provided, single submitter (1 of 4 stars). 2 submissions from 2 submitters: Likely benign (1). 1 of the submissions does not count toward it. Last evaluated 2025-06-27.

Allele frequency attached by ClinVar (database versions not stated): ExAC 0.00006; gnomAD 0.00007 and 0.00008; gnomAD exomes 0.00005 and 0.00012; TOPMed 0.00007.
gnomAD v4.1: 184 of 1,608,054 alleles (0.011%); highest among the groups gnomAD compares: Non-Finnish European, 0.015%; no homozygotes.

Submissions (2):

Labcorp Genetics (formerly Invitae), Labcorp
Classification: Likely benign. Last evaluated: 2025-06-27. Review status: criteria provided, single submitter. Criteria: Invitae Variant Classification Sherloc (09022015). Collection method: clinical testing. Allele origin: germline.

Human Evolutionary Genetics, Institut Pasteur
No classification provided. Review status: no classification provided. Collection method: not provided. Allele origin: germline. Not counted in ClinVar's aggregate classification.
ClinVar note: Converted during submission from untested to not provided.